The following is an entry in ClinVar:

NM_004974.4(KCNA2):c.235G>A (p.Asp79Asn)

Gene: KCNA2 (potassium voltage-gated channel subfamily A member 2; minus strand). Cytogenetic location: 1p13.3.
Variant type: single nucleotide variant.
Coding change: c.235G>A on transcript NM_004974.4 (MANE Select); coding-DNA position 235, G replaced by A.
Protein change: p.Asp79Asn; replaces aspartic acid 79 with asparagine.
Molecular consequence: missense variant.
Genome position (GRCh38, 1-based): chr1:110,604,548, C>T on the plus strand (G>A on the coding strand, the complement: KCNA2 is on the minus strand). VCF-style: chr1-110604548-C-T. GRCh37 (hg19) VCF-style: chr1-111147170-C-T.
Other names: c.235G>A, p.Asp79Asn (NM_001204269.2); short protein forms D79N.
Identifiers: ClinVar variation 951627 (VCV000951627.12), dbSNP rs747844549, ClinGen allele CA341606287.

ClinVar aggregate classification (germline): Uncertain significance (1 of 4 stars; one submission).

Conditions:
Developmental and epileptic encephalopathy, 32 (DEE32). Also called: Epileptic encephalopathy, early infantile, 32. Identifiers: Orphanet 442835, MedGen C4225350, MONDO:0014607, OMIM 616366.

Allele frequency attached by ClinVar (database versions not stated): gnomAD exomes 0.00001; TOPMed 0.00002.
gnomAD v4.1: 3 of 1,614,142 alleles (0.00019%); highest among the groups gnomAD compares: African/African-American, 0.0027%; no homozygotes.

Submission:

Labcorp Genetics (formerly Invitae), Labcorp
Classification: Uncertain significance for Developmental and epileptic encephalopathy, 32. Last evaluated: 2022-09-07. Review status: criteria provided, single submitter. Criteria: Invitae Variant Classification Sherloc (09022015). Collection method: clinical testing. Allele origin: germline.
Comment: In summary, the available evidence is currently insufficient to determine the role of this variant in disease. Therefore, it has been classified as a Variant of Uncertain Significance. Algorithms developed to predict the effect of missense changes on protein structure and function are either unavailable or do not agree on the potential impact of this missense change (SIFT: "Deleterious"; PolyPhen-2: "Probably Damaging"; Align-GVGD: "Class C15"). ClinVar contains an entry for this variant (Variation ID: 951627). This variant has not been reported in the literature in individuals affected with KCNA2-related conditions. This variant is not present in population databases (gnomAD no frequency). This sequence change replaces aspartic acid, which is acidic and polar, with asparagine, which is neutral and polar, at codon 79 of the KCNA2 protein (p.Asp79Asn).